The following is an entry in ClinVar:

ClinVar aggregate classification (germline): Uncertain significance (1 of 4 stars; one submission).

Conditions:
Severe combined immunodeficiency due to DNA-PKcs deficiency. Also called: IMMUNODEFICIENCY 26 WITH NEUROLOGIC ABNORMALITIES; Immunodeficiency 26 with or without neurologic abnormalities. Identifiers: Orphanet 317425, MedGen C4014833, MONDO:0014423, OMIM 615966.

Submission:

Labcorp Genetics (formerly Invitae), Labcorp
Classification: Uncertain significance for Severe combined immunodeficiency due to DNA-PKcs deficiency. Last evaluated: 2022-04-17. Review status: criteria provided, single submitter. Criteria: Invitae Variant Classification Sherloc (09022015). Collection method: clinical testing. Allele origin: germline.
Comment: This sequence change replaces aspartic acid, which is acidic and polar, with histidine, which is basic and polar, at codon 1495 of the PRKDC protein (p.Asp1495His). This variant is not present in population databases (gnomAD no frequency). This variant has not been reported in the literature in individuals affected with PRKDC-related conditions. Experimental studies and prediction algorithms are not available or were not evaluated, and the functional significance of this variant is currently unknown. In summary, the available evidence is currently insufficient to determine the role of this variant in disease. Therefore, it has been classified as a Variant of Uncertain Significance.

NM_006904.7(PRKDC):c.4483G>C (p.Asp1495His)

Gene: PRKDC (protein kinase, DNA-activated, catalytic subunit; minus strand). Cytogenetic location: 8q11.21.
Variant type: single nucleotide variant.
Coding change: c.4483G>C on transcript NM_006904.7 (MANE Select); coding-DNA position 4483, G replaced by C.
Protein change: p.Asp1495His; replaces aspartic acid 1495 with histidine.
Molecular consequence: missense variant.
Genome position (GRCh38, 1-based): chr8:47,887,636, C>G on the plus strand (G>C on the coding strand, the complement: PRKDC is on the minus strand). VCF-style: chr8-47887636-C-G. GRCh37 (hg19) VCF-style: chr8-48800197-C-G.
Other names: c.4483G>C, p.Asp1495His (NM_001081640.2); short protein forms D1495H.
Identifiers: ClinVar variation 2085674 (VCV002085674.4), dbSNP rs2551873378, ClinGen allele CA371143971.